The following is an entry in ClinVar:

ClinVar aggregate classification (germline): Benign. Review status: criteria provided, multiple submitters, no conflicts (2 of 4 stars). 2 submissions from 2 submitters: Benign (2). Last evaluated 2018-01-13.

Conditions:
Autosomal dominant nocturnal frontal lobe epilepsy 4. Also called: EPILEPSY, FAMILIAL, WITH NOCTURNAL WANDERING AND ICTAL FEAR; CHRNA2-Related Nocturnal Frontal Lobe Epilepsy, Autosomal Dominant. Identifiers: Orphanet 98784, MedGen C1835905, MONDO:0012474, OMIM 610353.

Allele frequency attached by ClinVar (database versions not stated): 1000 Genomes Project 0.78195; 1000 Genomes Project 30x 0.78326; gnomAD exomes 0.80940; gnomAD 0.82917; TOPMed 0.84295.
gnomAD v4.1: 152,437 of 182,446 alleles (84%); highest among the groups gnomAD compares: Middle Eastern, 94%; 64,328 homozygotes.

Submissions (2):

Illumina Laboratory Services, Illumina
Classification: Benign for Autosomal dominant nocturnal frontal lobe epilepsy 4. Last evaluated: 2018-01-13. Review status: criteria provided, single submitter. Criteria: ICSL Variant Classification Criteria 13 December 2019. Collection method: clinical testing. Allele origin: germline.
Comment: This variant was observed in the ICSL laboratory as part of a predisposition screen in an ostensibly healthy population. It had not been previously curated by ICSL or reported in the Human Gene Mutation Database (HGMD: prior to June 1st, 2018), and was therefore a candidate for classification through an automated scoring system. Utilizing variant allele frequency, disease prevalence and penetrance estimates, and inheritance mode, an automated score was calculated to assess if this variant is too frequent to cause the disease. Based on the score and internal cut-off values, a variant classified as benign is not then subjected to further curation. The score for this variant resulted in a classification of benign for this disease.

Breakthrough Genomics
Classification: Benign. Review status: criteria provided, single submitter. Criteria: ACMG Guidelines, 2015. Collection method: not provided. Allele origin: germline. Inheritance: Autosomal dominant inheritance. Affected: yes.

NM_000742.4(CHRNA2):c.*511G>C

Gene: CHRNA2 (cholinergic receptor nicotinic alpha 2 subunit; minus strand). Cytogenetic location: 8p21.2.
Variant type: single nucleotide variant.
Coding change: c.*511G>C on transcript NM_000742.4 (MANE Select); 511 bases downstream of the stop codon, G replaced by C.
Molecular consequence: 3 prime UTR variant.
Genome position (GRCh38, 1-based): chr8:27,461,118, C>G on the plus strand (G>C on the coding strand, the complement: CHRNA2 is on the minus strand). VCF-style: chr8-27461118-C-G. GRCh37 (hg19) VCF-style: chr8-27318635-C-G.
Other names: c.*511G>C (NM_001282455.2, NM_001347705.2, NM_001347706.2 and 2 more transcripts).
Identifiers: ClinVar variation 362686 (VCV000362686.6), dbSNP rs2292977, ClinGen allele CA10630776.